The following is an entry in ClinVar:

NM_001130987.2(DYSF):c.3508T>C (p.Tyr1170His)

Gene: DYSF (dysferlin; plus strand). Cytogenetic location: 2p13.2.
Variant type: single nucleotide variant.
Coding change: c.3508T>C on transcript NM_001130987.2 (MANE Select); coding-DNA position 3508, T replaced by C.
Protein change: p.Tyr1170His; replaces tyrosine 1170 with histidine.
Molecular consequence: missense variant.
Genome position (GRCh38, 1-based): chr2:71,590,222, T>C. VCF-style: chr2-71590222-T-C. GRCh37 (hg19) VCF-style: chr2-71817352-T-C.
Other names: c.3457T>C, p.Tyr1153His (NM_001130455.2, NM_001130983.2); c.3412T>C, p.Tyr1138His (NM_001130976.2, NM_001130977.2); c.3454T>C, p.Tyr1152His (NM_001130978.2, NM_003494.4); c.3547T>C, p.Tyr1183His (NM_001130979.2); c.3505T>C, p.Tyr1169His (NM_001130980.2, NM_001130981.2); c.3550T>C, p.Tyr1184His (NM_001130982.2); c.3415T>C, p.Tyr1139His (NM_001130984.2, NM_001130986.2); c.3508T>C, p.Tyr1170His (NM_001130985.2); short protein forms Y1138H, Y1169H, Y1170H, Y1183H, Y1184H, Y1139H, Y1152H, Y1153H.
Identifiers: ClinVar variation 860306 (VCV000860306.6), dbSNP rs749405808, ClinGen allele CA1706613.

ClinVar aggregate classification (germline): Uncertain significance (1 of 4 stars; one submission).

Conditions:
Neuromuscular disease caused by qualitative or quantitative defects of dysferlin. Also called: Qualitative or quantitative defects of dysferlin; Dysferlinopathy. Identifiers: Orphanet 207073, MedGen C2931687, MONDO:0016145.

Allele frequency attached by ClinVar (database versions not stated): ExAC 0.00001.
gnomAD v4.1: 10 of 1,614,080 alleles (0.00062%); highest among the groups gnomAD compares: Non-Finnish European, 0.00085%; no homozygotes.

Submission:

Labcorp Genetics (formerly Invitae), Labcorp
Classification: Uncertain significance for Neuromuscular disease caused by qualitative or quantitative defects of dysferlin. Last evaluated: 2022-02-03. Review status: criteria provided, single submitter. Criteria: Invitae Variant Classification Sherloc (09022015). Collection method: clinical testing. Allele origin: germline.
Comment: This sequence change replaces tyrosine, which is neutral and polar, with histidine, which is basic and polar, at codon 1152 of the DYSF protein (p.Tyr1152His). This variant is present in population databases (rs749405808, gnomAD 0.0009%). This variant has not been reported in the literature in individuals affected with DYSF-related conditions. ClinVar contains an entry for this variant (Variation ID: 860306). Advanced modeling of protein sequence and biophysical properties (such as structural, functional, and spatial information, amino acid conservation, physicochemical variation, residue mobility, and thermodynamic stability) performed at Invitae indicates that this missense variant is expected to disrupt DYSF protein function. In summary, the available evidence is currently insufficient to determine the role of this variant in disease. Therefore, it has been classified as a Variant of Uncertain Significance.